The following is an entry in ClinVar:

ClinVar aggregate classification (germline): Uncertain significance (1 of 4 stars; one submission).

Conditions:
Autoimmune lymphoproliferative syndrome, type III caused by mutation in PRKCD. Identifiers: Orphanet 3261, Orphanet 664711, MedGen C3809928, MONDO:8000024, OMIM 615559.

Allele frequency attached by ClinVar (database versions not stated): gnomAD 0.00001.
gnomAD v4.1: 5 of 1,613,090 alleles (0.00031%); highest among the groups gnomAD compares: African/African-American, 0.0013%; no homozygotes.

Submission:

Labcorp Genetics (formerly Invitae), Labcorp
Classification: Uncertain significance for Autoimmune lymphoproliferative syndrome, type III caused by mutation in PRKCD. Last evaluated: 2020-11-06. Review status: criteria provided, single submitter. Criteria: Invitae Variant Classification Sherloc (09022015). Collection method: clinical testing. Allele origin: germline.
Comment: In summary, the available evidence is currently insufficient to determine the role of this variant in disease. Therefore, it has been classified as a Variant of Uncertain Significance. Algorithms developed to predict the effect of missense changes on protein structure and function are either unavailable or do not agree on the potential impact of this missense change (SIFT: "Deleterious"; PolyPhen-2: "Benign"; Align-GVGD: "Class C0"). This variant has not been reported in the literature in individuals with PRKCD-related conditions. This variant is not present in population databases (ExAC no frequency). This sequence change replaces glutamic acid with lysine at codon 22 of the PRKCD protein (p.Glu22Lys). The glutamic acid residue is moderately conserved and there is a small physicochemical difference between glutamic acid and lysine.

NM_006254.4(PRKCD):c.64G>A (p.Glu22Lys)

Gene: PRKCD (protein kinase C delta; plus strand). Cytogenetic location: 3p21.1.
Variant type: single nucleotide variant.
Coding change: c.64G>A on transcript NM_006254.4 (MANE Select); coding-DNA position 64, G replaced by A.
Protein change: p.Glu22Lys; replaces glutamic acid 22 with lysine.
Molecular consequence: missense variant.
Genome position (GRCh38, 1-based): chr3:53,178,486, G>A. VCF-style: chr3-53178486-G-A. GRCh37 (hg19) VCF-style: chr3-53212502-G-A.
Other names: c.64G>A, p.Glu22Lys (NM_001316327.2, NM_001354679.2, NM_001354680.2 and 1 more transcripts); c.121G>A, p.Glu41Lys (NM_001354676.2); c.112G>A, p.Glu38Lys (NM_001354678.2); short protein forms E38K, E22K, E41K.
Identifiers: ClinVar variation 1497268 (VCV001497268.8), dbSNP rs1553666417, ClinGen allele CA353232374.